The following is an entry in ClinVar:

NM_173500.4(TTBK2):c.3022G>A (p.Ala1008Thr)

Gene: TTBK2 (tau tubulin kinase 2; minus strand). Cytogenetic location: 15q15.2.
Variant type: single nucleotide variant.
Coding change: c.3022G>A on transcript NM_173500.4 (MANE Select); coding-DNA position 3022, G replaced by A.
Protein change: p.Ala1008Thr; replaces alanine 1008 with threonine.
Molecular consequence: missense variant.
Genome position (GRCh38, 1-based): chr15:42,752,224, C>T on the plus strand (G>A on the coding strand, the complement: TTBK2 is on the minus strand). VCF-style: chr15-42752224-C-T. GRCh37 (hg19) VCF-style: chr15-43044422-C-T.
Other names: short protein forms A1008T.
Identifiers: ClinVar variation 2865056 (VCV002865056.3), dbSNP rs1482627672, ClinGen allele CA392071211.

ClinVar aggregate classification (germline): Uncertain significance (1 of 4 stars; one submission).

gnomAD v4.1: 3 of 1,614,004 alleles (0.00019%); highest among the groups gnomAD compares: Non-Finnish European, 0.00017%; no homozygotes.

Submission:

Labcorp Genetics (formerly Invitae), Labcorp
Classification: Uncertain significance. Last evaluated: 2024-10-24. Review status: criteria provided, single submitter. Criteria: Invitae Variant Classification Sherloc (09022015). Collection method: clinical testing. Allele origin: germline.
Comment: This sequence change replaces alanine, which is neutral and non-polar, with threonine, which is neutral and polar, at codon 1008 of the TTBK2 protein (p.Ala1008Thr). This variant is not present in population databases (gnomAD no frequency). This variant has not been reported in the literature in individuals affected with TTBK2-related conditions. An algorithm developed to predict the effect of missense changes on protein structure and function outputs the following: PolyPhen-2: "Benign". The threonine amino acid residue is found in multiple mammalian species, which suggests that this missense change does not adversely affect protein function. In summary, the available evidence is currently insufficient to determine the role of this variant in disease. Therefore, it has been classified as a Variant of Uncertain Significance.